The following is an entry in ClinVar:

ClinVar aggregate classification (germline): Pathogenic (1 of 4 stars; one submission).

Conditions:
Usher syndrome type 1F (USH1F). Also called: USHER SYNDROME, TYPE IF. Identifiers: Orphanet 231169, Orphanet 886, MedGen C1865885, MONDO:0011186, OMIM 602083.

Submission:

Myriad Genetics, Inc.
Classification: Pathogenic for Usher syndrome type 1F. Last evaluated: 2024-12-15. Review status: criteria provided, single submitter. Criteria: Myriad Autosomal Dominant, Autosomal Recessive and X-Linked Classification Criteria (2023). Collection method: clinical testing. Allele origin: unknown.
Comment: NM_033056.3(PCDH15):c.1038dupA(L347Tfs*2) is expected to be pathogenic in the context of PCDH15-related disorders. This variant is predicted to lead to an abnormal or absent protein product due to the creation of a premature termination codon in PCDH15, a gene where loss-of-function variants are known to be pathogenic. Please note: this variant was assessed in the context of healthy population screening.

NM_001384140.1(PCDH15):c.1038dup (p.Leu347fs)

Gene: PCDH15 (protocadherin related 15; minus strand). Cytogenetic location: 10q21.1.
Variant type: Duplication.
Coding change: c.1038dup on transcript NM_001384140.1 (MANE Select); coding-DNA position 1038, one base duplicated (A; older notation c.1038dupA).
Protein change: p.Leu347fs; shifts the reading frame from leucine 347.
Molecular consequence: frameshift variant.
Genome position (GRCh38, 1-based): chr10:54,213,996, T duplicated on the plus strand (A on the coding strand, the reverse complement: PCDH15 is on the minus strand); the first of 2 consecutive T bases (chr10:54,213,996-54,213,997); duplicating either gives the same sequence. VCF-style (leftmost placement, unchanged base first): chr10-54213995-G-GT. GRCh37 (hg19) VCF-style: chr10-55973755-G-GT.
Other names: c.1053dup, p.Leu352fs (NM_001142763.2, NM_001142771.2); c.1038dup, p.Leu347fs (NM_001142764.2, NM_001142765.2, NM_001142766.2 and 7 more transcripts); c.927dup, p.Leu310fs (NM_001142767.2); c.972dup, p.Leu325fs (NM_001142768.2, NM_001142773.2, NM_001354404.2); c.1052dup, p.Leu352Thrfs (NM_001142769.4); short protein forms L310fs, L325fs, L347fs, L352fs.
Identifiers: ClinVar variation 5013865 (VCV005013865.1).